The following is an entry in ClinVar:

NM_001126128.2(PROK2):c.297del (p.Phe99fs)

Gene: PROK2 (prokineticin 2; minus strand). Cytogenetic location: 3p13.
Variant type: Deletion.
Coding change: c.297del on transcript NM_001126128.2 (MANE Select); coding-DNA position 297, one base deleted (T; older notation c.297delT).
Protein change: p.Phe99fs; shifts the reading frame from phenylalanine 99.
Molecular consequence: frameshift variant.
Genome position (GRCh38, 1-based): chr3:71,772,817, A deleted on the plus strand (T on the coding strand, the reverse complement: PROK2 is on the minus strand); the first of 6 consecutive A bases (chr3:71,772,817-71,772,822); deleting any one gives the same sequence. VCF-style (leftmost placement, unchanged base first): chr3-71772816-CA-C. GRCh37 (hg19) VCF-style: chr3-71821967-CA-C.
Other names: c.234del, p.Phe78fs (NM_021935.4); short protein forms F78fs, F99fs.
Identifiers: ClinVar variation 2309812 (VCV002309812.7), dbSNP rs768413190, ClinGen allele CA2491965.

ClinVar aggregate classification (germline): Uncertain significance. Review status: criteria provided, multiple submitters, no conflicts (2 of 4 stars). 4 submissions from 4 submitters: Uncertain significance (4). Last evaluated 2026-04-17.

Conditions:
Inborn genetic diseases. Identifiers: MedGen C0950123, MeSH D030342.
PROK2-related disorder. Also called: PROK2-related condition.
Hypogonadotropic hypogonadism 4 with or without anosmia (HH4). Also called: PROK2-Related GnRH Deficiency (Kallmann Syndrome 4); HYPOGONADOTROPIC HYPOGONADISM 4 WITH ANOSMIA; KAL4. Identifiers: Orphanet 478, MedGen C3552343, MONDO:0012528, OMIM 610628.

Submissions (4):

PreventionGenetics, part of Exact Sciences
Classification: Uncertain significance for PROK2-related condition. Last evaluated: 2026-04-17. Review status: criteria provided, single submitter. Criteria: ACMG Guidelines, 2015. Collection method: clinical testing. Allele origin: germline.
Comment: The PROK2 c.297delT variant is predicted to result in a frameshift and premature protein termination (p.Phe99Leufs*28). To our knowledge, this variant has not been reported in the literature. This variant is reported in 0.020% of alleles in individuals of African descent in gnomAD. A limited number of loss-of-function variants have been reported in this gene in association with disease to date (Pitteloud et al. 2007. PubMed ID: 17959774; Sarfati et al. 2013. PubMed ID: 24031091); however, loss-of-function variants have also been reported in general population databases (gnomAD). Although we suspect that this variant may be pathogenic, possibly for an autosomal recessive form of disease, the clinical significance of this variant is currently classified as uncertain due to the absence of conclusive functional and genetic evidence.

Dasa
Classification: Uncertain significance for hypogonadotropic hypogonadism 4 with or without anosmia. Last evaluated: 2026-01-05. Review status: criteria provided, single submitter. Criteria: DASA Assertion Criteria. Collection method: clinical testing. Allele origin: germline.
Comment: NM_001126128.2(PROK2):c.297del (p.Phe99Leufs*28) is a frameshift variant in PROK2 predicted to alter the reading frame and introduce a premature termination codon and is predicted to result in an absent or altered protein product. This variant is rare in population databases. The currently available literature and clinical evidence are not sufficient to establish a definitive association between this variant and the reported condition. Therefore, this variant is classified as a variant of uncertain significance.

Laboratorio de Genetica e Diagnostico Molecular, Hospital Israelita Albert Einstein
Classification: Uncertain significance for Hypogonadotropic hypogonadism 4 with or without anosmia. Last evaluated: 2024-02-09. Review status: criteria provided, single submitter. Criteria: ACMG Guidelines, 2015. Collection method: clinical testing. Allele origin: germline. Affected: yes.
Comment: ACMG classification criteria: PVS1 strong

Ambry Genetics
Classification: Uncertain significance for Inborn genetic diseases. Last evaluated: 2022-10-19. Review status: criteria provided, single submitter. Criteria: Ambry Variant Classification Scheme 2023. Collection method: clinical testing. Allele origin: germline.
Comment: The c.297delT (p.F99Lfs*28) alteration, located in exon 4 (coding exon 4) of the PROK2 gene, consists of a deletion of one nucleotide at position 297, causing a translational frameshift with a predicted alternate stop codon after 28 amino acids. This alteration occurs at the 3' terminus of the PROK2 gene, is not expected to trigger nonsense-mediated mRNA decay, and only impacts the last 24% of the protein. The exact functional effect of this alteration is unknown. Based on data from gnomAD, this allele has an overall frequency of 0.002% (5/282370) total alleles studied. The highest observed frequency was 0.020% (5/24864) of African alleles. Based on insufficient or conflicting evidence, the clinical significance of this alteration remains unclear.